The following is an entry in ClinVar:

ClinVar aggregate classification (germline): Pathogenic (1 of 4 stars; one submission).

Conditions:
Actin accumulation myopathy (CMYO2A). Also called: CONGENITAL MYOPATHY 2A, TYPICAL, AUTOSOMAL DOMINANT; Myopathy, actin, congenital, with cores; Nemaline myopathy 3, with intranuclear rods; Nemaline myopathy type 3; Myopathy, actin, congenital, with excess of thin myofilaments. Identifiers: Orphanet 98904, MedGen C3711389, MONDO:0008070, OMIM 161800.

Submission:

Baylor Genetics
Classification: Pathogenic for Actin accumulation myopathy. Last evaluated: 2018-12-21. Review status: criteria provided, single submitter. Criteria: ACMG Guidelines, 2015. Collection method: clinical testing. Allele origin: de novo. Affected: yes.
Comment: This variant was determined to be pathogenic according to ACMG Guidelines, 2015 [PMID:25741868]. This variant has been previously reported in patients with milder form of nemaline myopathy [PMID 10508519, 15226407, 14733965]

Literature cited by the submitters: PubMed 10508519; PubMed 15226407; PubMed 14733965.

NM_001100.4(ACTA1):c.400A>G (p.Met134Val)

Gene: ACTA1 (actin alpha 1, skeletal muscle; minus strand). Cytogenetic location: 1q42.13.
Variant type: single nucleotide variant.
Coding change: c.400A>G on transcript NM_001100.4 (MANE Select); coding-DNA position 400, A replaced by G.
Protein change: p.Met134Val; replaces methionine 134 with valine.
Molecular consequence: missense variant.
Genome position (GRCh38, 1-based): chr1:229,432,610, T>C on the plus strand (A>G on the coding strand, the complement: ACTA1 is on the minus strand). VCF-style: chr1-229432610-T-C. GRCh37 (hg19) VCF-style: chr1-229568357-T-C.
Other names: short protein forms M134V.
Identifiers: ClinVar variation 1031830 (VCV001031830.1), dbSNP rs1659974377, ClinGen allele CA345149376.